The following is an entry in ClinVar:

NM_001197104.2(KMT2A):c.7481G>A (p.Gly2494Asp)

Gene: KMT2A (lysine methyltransferase 2A; plus strand). Cytogenetic location: 11q23.3.
Variant type: single nucleotide variant.
Coding change: c.7481G>A on transcript NM_001197104.2 (MANE Select); coding-DNA position 7481, G replaced by A.
Protein change: p.Gly2494Asp; replaces glycine 2494 with aspartic acid.
Molecular consequence: missense variant.
Genome position (GRCh38, 1-based): chr11:118,503,373, G>A. VCF-style: chr11-118503373-G-A. GRCh37 (hg19) VCF-style: chr11-118374088-G-A.
Other names: c.7571G>A, p.Gly2524Asp (NM_001412597.1); c.7472G>A, p.Gly2491Asp (NM_005933.4); short protein forms G2494D, G2491D, G2524D.
Identifiers: ClinVar variation 4623063 (VCV004623063.1).
Genomic context (GRCh38, chr11:118,503,373, plus strand): 5'-CTGAGTATATGGGCCAACGACCATGTAACAATGTTTCTTCTGATAAGATTGGTGATAAAG[G>A]CCTTTCTATGCCAGGAGTCCCCAAAGCTCCACCCATGCAAGTAGAAGGATCTGCCAAGGA-3'
Protein context (NP_001184033.1, residues 2484-2504): NVSSDKIGDK[Gly2494Asp]LSMPGVPKAP

ClinVar aggregate classification (germline): Uncertain significance (1 of 4 stars; one submission).

Conditions:
Inborn genetic diseases. Identifiers: MedGen C0950123, MeSH D030342.

gnomAD v4.1: 17 of 1,613,944 alleles (0.0011%); highest among the groups gnomAD compares: Non-Finnish European, 0.0013%; no homozygotes.

Submission:

Ambry Genetics
Classification: Uncertain significance for Inborn genetic diseases. Last evaluated: 2025-12-09. Review status: criteria provided, single submitter. Criteria: Ambry Variant Classification Scheme 2023. Collection method: clinical testing. Allele origin: germline.
Comment: The c.7481G>A (p.G2494D) alteration is located in exon 27 (coding exon 27) of the KMT2A gene. This alteration results from a G to A substitution at nucleotide position 7481, causing the glycine (G) at amino acid position 2494 to be replaced by an aspartic acid (D). Based on data from gnomAD, the A allele has an overall frequency of 0.003% (1/31386) total alleles studied. The highest observed frequency was 0.007% (1/15422) of European (non-Finnish) alleles. Based on insufficient or conflicting evidence, the clinical significance of this alteration remains unclear.